The following is an entry in ClinVar:

ClinVar aggregate classification (germline): Uncertain significance (1 of 4 stars; one submission).

Conditions:
Hereditary cancer-predisposing syndrome. Also called: Neoplastic Syndromes, Hereditary; Tumor predisposition; Hereditary Cancer Syndrome; Hereditary neoplastic syndrome. Identifiers: Orphanet 140162, MedGen C0027672, MeSH D009386, MONDO:0015356.

Submission:

Color Diagnostics, LLC DBA Color Health
Classification: Uncertain significance for Hereditary cancer-predisposing syndrome. Last evaluated: 2024-03-06. Review status: criteria provided, single submitter. Criteria: ACMG Guidelines, 2015. Collection method: clinical testing. Allele origin: germline.
Comment: This missense variant replaces threonine with alanine at codon 351 of the BARD1 protein. Computational prediction tool suggests that this variant may not impact protein structure and function (internally defined REVEL score threshold <= 0.5, PMID: 27666373). Splice site prediction tools suggest that this variant may not impact RNA splicing. To our knowledge, functional studies have not been performed for this variant. This variant has not been reported in individuals affected with hereditary cancer in the literature. This variant has not been identified in the general population by the Genome Aggregation Database (gnomAD). The available evidence is insufficient to determine the role of this variant in disease conclusively. Therefore, this variant is classified as a Variant of Uncertain Significance.

NM_000465.4(BARD1):c.1051_1053delinsGCC (p.Thr351Ala)

Gene: BARD1 (BRCA1 associated RING domain 1; minus strand). Cytogenetic location: 2q35.
Variant type: Indel.
Coding change: c.1051_1053delinsGCC on transcript NM_000465.4 (MANE Select); coding-DNA positions 1051 to 1053, ACG replaced by GCC.
Protein change: p.Thr351Ala; replaces threonine 351 with alanine.
Molecular consequence: missense variant. On other transcripts: non-coding transcript variant (2), intron variant (3).
Genome position (GRCh38, 1-based): chr2:214,780,821-214,780,823, CGT replaced by GGC on the plus strand (ACG replaced by GCC on the coding strand, the reverse complement: BARD1 is on the minus strand). VCF-style: chr2-214780821-CGT-GGC. GRCh37 (hg19) VCF-style: chr2-215645545-CGT-GGC.
Other names: c.994_996delinsGCC, p.Thr332Ala (NM_001282543.2); c.159-28268_159-28266delinsGCC (NM_001282548.2); c.215+16238_215+16240delinsGCC (NM_001282545.2); c.364+11474_364+11476delinsGCC (NM_001282549.2); short protein forms T351A, T332A.
Identifiers: ClinVar variation 926924 (VCV000926924.4), dbSNP rs1694967132, ClinGen allele CA1139655709.